The following is an entry in ClinVar:

ClinVar aggregate classification (germline): Uncertain significance (1 of 4 stars; one submission).

Conditions:
DYRK1A-related intellectual disability syndrome (MRD7). Also called: DYRK1A Syndrome; Intellectual developmental disorder, autosomal dominant 7. Identifiers: Orphanet 464306, MedGen C5568143, MONDO:0013578, OMIM 614104.

Allele frequency attached by ClinVar (database versions not stated): gnomAD exomes below 0.00001.
gnomAD v4.1: 3 of 1,612,974 alleles (0.00019%); highest among the groups gnomAD compares: Non-Finnish European, 0.00025%; no homozygotes.

Submission:

Labcorp Genetics (formerly Invitae), Labcorp
Classification: Uncertain significance for DYRK1A-related intellectual disability syndrome. Last evaluated: 2024-08-06. Review status: criteria provided, single submitter. Criteria: Invitae Variant Classification Sherloc (09022015). Collection method: clinical testing. Allele origin: germline.
Comment: This sequence change replaces tyrosine, which is neutral and polar, with histidine, which is basic and polar, at codon 145 of the DYRK1A protein (p.Tyr145His). This variant is not present in population databases (gnomAD no frequency). This variant has not been reported in the literature in individuals affected with DYRK1A-related conditions. ClinVar contains an entry for this variant (Variation ID: 1715923). Advanced modeling of protein sequence and biophysical properties (such as structural, functional, and spatial information, amino acid conservation, physicochemical variation, residue mobility, and thermodynamic stability) performed at Invitae indicates that this missense variant is not expected to disrupt DYRK1A protein function with a negative predictive value of 80%. In summary, the available evidence is currently insufficient to determine the role of this variant in disease. Therefore, it has been classified as a Variant of Uncertain Significance.

NM_001347721.2(DYRK1A):c.406T>C (p.Tyr136His)

Gene: DYRK1A (dual specificity tyrosine phosphorylation regulated kinase 1A; plus strand). Cytogenetic location: 21q22.13.
Variant type: single nucleotide variant.
Coding change: c.406T>C on transcript NM_001347721.2 (MANE Select); coding-DNA position 406, T replaced by C.
Protein change: p.Tyr136His; replaces tyrosine 136 with histidine.
Molecular consequence: missense variant.
Genome position (GRCh38, 1-based): chr21:37,480,743, T>C. VCF-style: chr21-37480743-T-C. GRCh37 (hg19) VCF-style: chr21-38853045-T-C.
Other names: c.406T>C, p.Tyr136His (NM_001347722.2, NM_130436.2); c.319T>C, p.Tyr107His (NM_001347723.2); c.433T>C, p.Tyr145His (NM_001396.5, NM_101395.2, NM_130438.2); short protein forms Y107H, Y136H, Y145H.
Identifiers: ClinVar variation 1715923 (VCV001715923.6), dbSNP rs2517988031, ClinGen allele CA409944366.